The following is an entry in ClinVar:

ClinVar aggregate classification (germline): Likely benign (0 of 4 stars; one submission).

Conditions:
VWA2-related disorder. Also called: VWA2-related condition.

Allele frequency attached by ClinVar (database versions not stated): 1000 Genomes Project 30x 0.00016; 1000 Genomes Project 0.00020; ESP Exome Variant Server 0.00023; gnomAD 0.00023; TOPMed 0.00027; ExAC 0.00036.
gnomAD v4.1: 654 of 1,614,148 alleles (0.041%); highest among the groups gnomAD compares: Non-Finnish European, 0.053%; 1 homozygote.

Submission:

PreventionGenetics, part of Exact Sciences
Classification: Likely benign for VWA2-related condition. Last evaluated: 2020-06-30. Review status: no assertion criteria provided. Collection method: clinical testing. Allele origin: germline.
Comment: This variant is classified as likely benign based on ACMG/AMP sequence variant interpretation guidelines (Richards et al. 2015 PMID: 25741868, with internal and published modifications).

NM_001272046.2(VWA2):c.1116C>T (p.Ala372=)

Genes: AFAP1L2 (actin filament associated protein 1 like 2; minus strand), VWA2 (von Willebrand factor A domain containing 2; plus strand). Cytogenetic location: 10q25.3.
Variant type: single nucleotide variant.
Coding change: c.1116C>T on transcript NM_001272046.2 (MANE Select); coding-DNA position 1116, C replaced by T.
Protein change: p.Ala372=; no amino-acid change (alanine 372 retained).
Molecular consequence: synonymous variant.
Genome position (GRCh38, 1-based): chr10:114,286,057, C>T. VCF-style: chr10-114286057-C-T. GRCh37 (hg19) VCF-style: chr10-116045816-C-T.
Other names: c.1116C>T, p.Ala372= (NM_001320804.1).
Identifiers: ClinVar variation 3051444 (VCV003051444.2), dbSNP rs141153750, ClinGen allele CA5700593.
Genomic context (GRCh38, chr10:114,286,057, plus strand): 5'-GGGCACCACTCTGGACGGCTTCCTGCGGGCCAAAGTCTTCGTGAAGCGGTTTGTGCGGGC[C>T]GTGCTGAGCGAGGACTCTCGGGCCCGAGTGGGTGTGGCCACATACAGCAGGGAGCTGCTG-3'
Protein context (NP_001258975.1, residues 362-382): AKVFVKRFVR[Ala372=]VLSEDSRARV